The following is an entry in ClinVar:

NM_001277115.2(DNAH11):c.8239G>A (p.Gly2747Arg)

Gene: DNAH11 (dynein axonemal heavy chain 11; plus strand). Cytogenetic location: 7p15.3.
Variant type: single nucleotide variant.
Coding change: c.8239G>A on transcript NM_001277115.2 (MANE Select); coding-DNA position 8239, G replaced by A.
Protein change: p.Gly2747Arg; replaces glycine 2747 with arginine.
Molecular consequence: missense variant.
Genome position (GRCh38, 1-based): chr7:21,744,522, G>A. VCF-style: chr7-21744522-G-A. GRCh37 (hg19) VCF-style: chr7-21784140-G-A.
Other names: short protein forms G2747R.
Identifiers: ClinVar variation 3840816 (VCV003840816.1).

ClinVar aggregate classification (germline): Uncertain significance (1 of 4 stars; one submission).

Conditions:
Primary ciliary dyskinesia. Also called: Ciliary dyskinesia. Identifiers: Orphanet 244, MedGen C0008780, MONDO:0016575, HP:0012265.

gnomAD v4.1: 1 of 1,613,812 alleles (0.000062%); highest among the groups gnomAD compares: East Asian, 0.0022%; no homozygotes.

Submission:

Ambry Genetics
Classification: Uncertain significance for Primary ciliary dyskinesia. Last evaluated: 2024-12-31. Review status: criteria provided, single submitter. Criteria: Ambry Variant Classification Scheme 2023. Collection method: clinical testing. Allele origin: germline.
Comment: The p.G2747R variant (also known as c.8239G>A), located in coding exon 50 of the DNAH11 gene, results from a G to A substitution at nucleotide position 8239. The glycine at codon 2747 is replaced by arginine, an amino acid with dissimilar properties. This amino acid position is conserved. In addition, this alteration is predicted to be tolerated by in silico analysis. Based on the available evidence, the clinical significance of this variant remains unclear.